The following is an entry in ClinVar:

ClinVar aggregate classification (germline): Likely benign. Review status: criteria provided, multiple submitters, no conflicts (2 of 4 stars). 6 submissions from 5 submitters: Likely benign (5). 1 of the submissions does not count toward it. Last evaluated 2026-01-14.

Conditions:
Usher syndrome type 2A. Also called: RETINAL DISEASE IN USHER SYNDROME TYPE IIA, MODIFIER OF; USHER SYNDROME, TYPE IIA. Identifiers: Orphanet 231178, Orphanet 886, MedGen C1848634, MONDO:0010169, OMIM 276901.
Retinitis pigmentosa 39 (RP39). Identifiers: Orphanet 791, MedGen C3151138, MONDO:0013436, OMIM 613809.

Allele frequency attached by ClinVar (database versions not stated): gnomAD exomes 0.00002 and 0.00006; ExAC 0.00008; gnomAD 0.00016 and 0.00017; TOPMed 0.00024; 1000 Genomes Project 30x 0.00047; ESP Exome Variant Server 0.00054; 1000 Genomes Project 0.00060.
gnomAD v4.1: 53 of 1,614,018 alleles (0.0033%); highest among the groups gnomAD compares: African/African-American, 0.065%; 1 homozygote.

Submissions (6):

Labcorp Genetics (formerly Invitae), Labcorp
Classification: Likely benign. Last evaluated: 2026-01-14. Review status: criteria provided, single submitter. Criteria: Invitae Variant Classification Sherloc (09022015). Collection method: clinical testing. Allele origin: germline.

Genome-Nilou Lab
Classification: Likely benign for Retinitis pigmentosa 39. Last evaluated: 2023-11-04. Review status: criteria provided, single submitter. Criteria: ACMG Guidelines, 2015. Collection method: clinical testing. Allele origin: germline. Affected: no.

Genome-Nilou Lab
Classification: Likely benign for Usher syndrome type 2A. Last evaluated: 2023-11-04. Review status: criteria provided, single submitter. Criteria: ACMG Guidelines, 2015. Collection method: clinical testing. Allele origin: germline. Affected: no.

Blueprint Genetics
Classification: Likely benign. Last evaluated: 2021-08-27. Review status: criteria provided, single submitter. Criteria: ACMG Guidelines, 2015. Collection method: clinical testing. Allele origin: germline.

Laboratory for Molecular Medicine, Mass General Brigham Personalized Medicine
Classification: Likely benign. Last evaluated: 2012-04-30. Review status: criteria provided, single submitter. Criteria: LMM Criteria. Collection method: clinical testing. Allele origin: germline. Observed: 1 variant allele.
Comment: Glu4133Glu in Exon 63 of USH2A: This variant is not expected to have clinical significance because it does not alter an amino acid residue, is not located within the splice consensus sequence, and has been identified in 0.2% (7/3738) of African American chromosomes from a broad population by the NHLBI Exome Sequencing Project (dbSNP rs150406015).

Natera, Inc.
Classification: Uncertain significance for Usher syndrome type 2A. Last evaluated: 2020-02-13. Review status: no assertion criteria provided. Collection method: clinical testing. Allele origin: germline. Not counted in ClinVar's aggregate classification.

NM_206933.4(USH2A):c.12399G>A (p.Glu4133=)

Gene: USH2A (usherin; minus strand). Cytogenetic location: 1q41.
Variant type: single nucleotide variant.
Coding change: c.12399G>A on transcript NM_206933.4 (MANE Select); coding-DNA position 12399, G replaced by A.
Protein change: p.Glu4133=; no amino-acid change (glutamic acid 4133 retained).
Molecular consequence: synonymous variant.
Genome position (GRCh38, 1-based): chr1:215,675,512, C>T on the plus strand (G>A on the coding strand, the complement: USH2A is on the minus strand). VCF-style: chr1-215675512-C-T. GRCh37 (hg19) VCF-style: chr1-215848854-C-T.
Identifiers: ClinVar variation 743582 (VCV000743582.17), dbSNP rs150406015, ClinGen allele CA1393472.